The following is an entry in ClinVar:

NM_030912.3(TRIM8):c.1593C>T (p.Pro531=)

Gene: TRIM8 (tripartite motif containing 8; plus strand). Cytogenetic location: 10q24.32.
Variant type: single nucleotide variant.
Coding change: c.1593C>T on transcript NM_030912.3 (MANE Select); coding-DNA position 1593, C replaced by T.
Protein change: p.Pro531=; no amino-acid change (proline 531 retained).
Molecular consequence: synonymous variant. On other transcripts: non-coding transcript variant (1).
Genome position (GRCh38, 1-based): chr10:102,657,291, C>T. VCF-style: chr10-102657291-C-T. GRCh37 (hg19) VCF-style: chr10-104417048-C-T.
Other names: c.1497C>T, p.Pro499= (NM_001345950.1); c.1593C>T (NM_030912.2).
Identifiers: ClinVar variation 2180021 (VCV002180021.5), dbSNP rs199997459, ClinGen allele CA5668345.

ClinVar aggregate classification (germline): Likely benign. Review status: criteria provided, single submitter (1 of 4 stars). 2 submissions from 2 submitters: Likely benign (1). 1 of the submissions does not count toward it. Last evaluated 2026-01-28.

Conditions:
TRIM8-related disorder. Also called: TRIM8-related condition.

Allele frequency attached by ClinVar (database versions not stated): ExAC 0.00003; TOPMed 0.00006; gnomAD exomes 0.00009; gnomAD 0.00010; 1000 Genomes Project 30x 0.00016; 1000 Genomes Project 0.00020.
gnomAD v4.1: 148 of 1,613,166 alleles (0.0092%); highest among the groups gnomAD compares: Non-Finnish European, 0.012%; no homozygotes.

Submissions (2):

Labcorp Genetics (formerly Invitae), Labcorp
Classification: Likely benign. Last evaluated: 2026-01-28. Review status: criteria provided, single submitter. Criteria: Invitae Variant Classification Sherloc (09022015). Collection method: clinical testing. Allele origin: germline.

PreventionGenetics, part of Exact Sciences
Classification: Likely benign for TRIM8-related condition. Last evaluated: 2024-08-09. Review status: no assertion criteria provided. Collection method: clinical testing. Allele origin: germline. Not counted in ClinVar's aggregate classification.
Comment: This variant is classified as likely benign based on ACMG/AMP sequence variant interpretation guidelines (Richards et al. 2015 PMID: 25741868, with internal and published modifications).